The following is an entry in ClinVar:

ClinVar aggregate classification (germline): Likely pathogenic. Review status: criteria provided, single submitter (1 of 4 stars). 2 submissions from 2 submitters: Likely pathogenic (1). 1 of the submissions does not count toward it. Last evaluated 2023-05-05.

Conditions:
Propionic acidemia (PROP). Also called: GLYCINEMIA, KETOTIC; HYPERGLYCINEMIA WITH KETOACIDOSIS AND LEUKOPENIA; KETOTIC HYPERGLYCINEMIA. Identifiers: Orphanet 35, MedGen C0268579, MONDO:0011628, OMIM 606054, HP:0003571.

Submissions (2):

Labcorp Genetics (formerly Invitae), Labcorp
Classification: Likely pathogenic for Propionic acidemia. Last evaluated: 2023-05-05. Review status: criteria provided, single submitter. Criteria: Invitae Variant Classification Sherloc (09022015). Collection method: clinical testing. Allele origin: germline.
Comment: Algorithms developed to predict the effect of sequence changes on RNA splicing suggest that this variant may disrupt the consensus splice site. ClinVar contains an entry for this variant (Variation ID: 553179). This variant has not been reported in the literature in individuals affected with PCCB-related conditions. This variant is not present in population databases (gnomAD no frequency). This sequence change affects a donor splice site in intron 10 of the PCCB gene. It is expected to disrupt RNA splicing. Variants that disrupt the donor or acceptor splice site typically lead to a loss of protein function (PMID: 16199547), and loss-of-function variants in PCCB are known to be pathogenic (PMID: 15464417). In summary, the currently available evidence indicates that the variant is pathogenic, but additional data are needed to prove that conclusively. Therefore, this variant has been classified as Likely Pathogenic.

Counsyl
Classification: Likely pathogenic for Propionic acidemia. Last evaluated: 2017-08-04. Review status: no assertion criteria provided. Collection method: clinical testing. Allele origin: unknown. Not counted in ClinVar's aggregate classification.

Literature cited by the submitters: PubMed 16199547 (cited by Labcorp Genetics (formerly Invitae), Labcorp); PubMed 15464417 (cited by Labcorp Genetics (formerly Invitae), Labcorp).

NM_000532.5(PCCB):c.1090+2T>C

Gene: PCCB (propionyl-CoA carboxylase subunit beta; plus strand). Cytogenetic location: 3q22.3.
Variant type: single nucleotide variant.
Coding change: c.1090+2T>C on transcript NM_000532.5 (MANE Select); the canonical splice donor site of the intron after coding-DNA position 1090, T replaced by C.
Molecular consequence: splice donor variant.
Genome position (GRCh38, 1-based): chr3:136,317,066, T>C. VCF-style: chr3-136317066-T-C. GRCh37 (hg19) VCF-style: chr3-136035908-T-C.
Other names: c.1150+2T>C (NM_001178014.2).
Identifiers: ClinVar variation 553179 (VCV000553179.5), dbSNP rs1553782779, ClinGen allele CA354647448.